The following is an entry in ClinVar:

ClinVar aggregate classification (germline): Uncertain significance (1 of 4 stars; one submission).

gnomAD v4.1: 18 of 1,613,934 alleles (0.0011%); highest among the groups gnomAD compares: African/African-American, 0.0053%; no homozygotes.

Submission:

Labcorp Genetics (formerly Invitae), Labcorp
Classification: Uncertain significance. Last evaluated: 2025-06-12. Review status: criteria provided, single submitter. Criteria: Invitae Variant Classification Sherloc (09022015). Collection method: clinical testing. Allele origin: germline.
Comment: This sequence change replaces arginine, which is basic and polar, with glutamine, which is neutral and polar, at codon 1035 of the FN1 protein (p.Arg1035Gln). This variant is present in population databases (rs199915234, gnomAD 0.006%). This variant has not been reported in the literature in individuals affected with FN1-related conditions. ClinVar contains an entry for this variant (Variation ID: 3674286). An algorithm developed to predict the effect of missense changes on protein structure and function (PolyPhen-2) suggests that this variant is likely to be disruptive. In summary, the available evidence is currently insufficient to determine the role of this variant in disease. Therefore, it has been classified as a Variant of Uncertain Significance.

NM_212482.4(FN1):c.3104G>A (p.Arg1035Gln)

Gene: FN1 (fibronectin 1; minus strand). Cytogenetic location: 2q35.
Variant type: single nucleotide variant.
Coding change: c.3104G>A on transcript NM_212482.4 (MANE Select); coding-DNA position 3104, G replaced by A.
Protein change: p.Arg1035Gln; replaces arginine 1035 with glutamine.
Molecular consequence: missense variant.
Genome position (GRCh38, 1-based): chr2:215,404,538, C>T on the plus strand (G>A on the coding strand, the complement: FN1 is on the minus strand). VCF-style: chr2-215404538-C-T. GRCh37 (hg19) VCF-style: chr2-216269261-C-T.
Other names: c.3104G>A, p.Arg1035Gln (NM_001306130.2, NM_001306131.2, NM_001306132.2 and 13 more transcripts); short protein forms R1035Q.
Identifiers: ClinVar variation 3674286 (VCV003674286.2).
Genomic context (GRCh38, chr2:215,404,538, plus strand): 5'-TTCCTCAGTGGGTACTTGGAGACAGAGGGACCCACATTGTACTGCCTGGGCTGTCCTCTT[C>T]GGGTAAGGCCCACGGTCAGTCGGTATCCTGTTATCTGGGCCCGAGGTGGAGTCCATCTCA-3'
Protein context (NP_997647.2, residues 1025-1045): TGYRLTVGLT[Arg1035Gln]RGQPRQYNVG